The following is an entry in ClinVar:

ClinVar aggregate classification (germline): Likely benign. Review status: criteria provided, single submitter (1 of 4 stars). 2 submissions from 2 submitters: Likely benign (1). 1 of the submissions does not count toward it. Last evaluated 2017-06-26.

Conditions:
WDR62-related disorder. Also called: WDR62-related condition.

Allele frequency attached by ClinVar (database versions not stated): gnomAD 0.00001; gnomAD exomes 0.00002 and 0.00003; TOPMed 0.00002; ExAC 0.00004.
gnomAD v4.1: 25 of 1,613,578 alleles (0.0015%); highest among the groups gnomAD compares: East Asian, 0.0022%; no homozygotes.

Submissions (2):

Labcorp Genetics (formerly Invitae), Labcorp
Classification: Likely benign. Last evaluated: 2017-06-26. Review status: criteria provided, single submitter. Criteria: Invitae Variant Classification Sherloc (09022015). Collection method: clinical testing. Allele origin: germline.

PreventionGenetics, part of Exact Sciences
Classification: Likely benign for WDR62-related condition. Last evaluated: 2019-02-22. Review status: no assertion criteria provided. Collection method: clinical testing. Allele origin: germline. Not counted in ClinVar's aggregate classification.
Comment: This variant is classified as likely benign based on ACMG/AMP sequence variant interpretation guidelines (Richards et al. 2015 PMID: 25741868, with internal and published modifications).

NM_001083961.2(WDR62):c.1218C>T (p.Tyr406=)

Gene: WDR62 (WD repeat domain 62; plus strand). Cytogenetic location: 19q13.12.
Variant type: single nucleotide variant.
Coding change: c.1218C>T on transcript NM_001083961.2 (MANE Select); coding-DNA position 1218, C replaced by T.
Protein change: p.Tyr406=; no amino-acid change (tyrosine 406 retained).
Molecular consequence: synonymous variant.
Genome position (GRCh38, 1-based): chr19:36,073,516, C>T. VCF-style: chr19-36073516-C-T. GRCh37 (hg19) VCF-style: chr19-36564418-C-T.
Other names: c.1218C>T, p.Tyr406= (NM_173636.5).
Identifiers: ClinVar variation 785620 (VCV000785620.5), dbSNP rs766269117, ClinGen allele CA9395509.